The following is an entry in ClinVar:

ClinVar aggregate classification (germline): Uncertain significance. Review status: criteria provided, multiple submitters, no conflicts (2 of 4 stars). 3 submissions from 3 submitters: Uncertain significance (3). Last evaluated 2025-01-16.

Conditions:
Malignant hyperthermia, susceptibility to, 1 (MHS1). Also called: Anesthesia related hyperthermia; Malignant hyperpyrexia; Fulminating hyperpyrexia; Pharmacogenic myopathy; Malignant hyperthermia suceptibility 1; RYR1-Related Malignant Hyperthermia Susceptibility. Identifiers: Orphanet 423, MedGen C2930980, MONDO:0007783, OMIM 145600.

Allele frequency attached by ClinVar (database versions not stated): gnomAD exomes below 0.00001; ExAC 0.00001.
gnomAD v4.1: 1 of 1,614,112 alleles (0.000062%); highest among the groups gnomAD compares: Non-Finnish European, 0.000085%; no homozygotes.

Submissions (3):

Women's Health and Genetics/Laboratory Corporation of America, LabCorp
Classification: Uncertain significance. Last evaluated: 2025-01-16. Review status: criteria provided, single submitter. Criteria: LabCorp Variant Classification Summary - May 2015. Collection method: clinical testing. Allele origin: germline.
Comment: Variant summary: RYR1 c.13694T>G (p.Phe4565Cys) results in a non-conservative amino acid change located in the Ryanodine Receptor TM 4-6 region of the encoded protein sequence. Five of five in-silico tools predict a damaging effect of the variant on protein function. The variant allele was found at a frequency of 4e-06 in 251496 control chromosomes. The available data on variant occurrences in the general population are insufficient to allow any conclusion about variant significance. c.13694T>G has been reported in the literature in a heterozygous individual affected with limb girdle muscle weakness and elevated Serum CK (example: Dosi_2023). These report(s) do not provide unequivocal conclusions about association of the variant with Congenital Multicore Myopathy With External Ophthalmoplegia. To our knowledge, no experimental evidence demonstrating an impact on protein function has been reported. The following publication has been ascertained in the context of this evaluation (PMID: 36833224). ClinVar contains an entry for this variant (Variation ID: 2435556). Based on the evidence outlined above, the variant was classified as uncertain significance.

All of Us Research Program, National Institutes of Health
Classification: Uncertain significance for Malignant hyperthermia, susceptibility to, 1. Last evaluated: 2024-01-03. Review status: criteria provided, single submitter. Criteria: ACMG Guidelines, 2015. Collection method: clinical testing. Allele origin: germline. Inheritance: Autosomal dominant inheritance. Observed: 2 variant alleles, 2 heterozygotes.
Comment: This missense variant replaces phenylalanine with cysteine at codon 4565 of the RYR1 protein. Computational prediction suggests that this variant may have deleterious impact on protein structure and function (internally defined REVEL score threshold >= 0.7, PMID: 27666373). To our knowledge, functional studies have not been reported for this variant. This variant has not been reported in individuals affected with RYR1-related disorders in the literature. This variant has been identified in 1/251496 chromosomes in the general population by the Genome Aggregation Database (gnomAD). The available evidence is insufficient to determine the role of this variant in disease conclusively. Therefore, this variant is classified as a Variant of Uncertain Significance.

This study involves interpretation of variants in research participants for the purpose of population health screening. Participant phenotype was not available at the time of variant classification. Additional details can be found in publication PMID: 35346344, PMCID: PMC8962531

Revvity Omics, Revvity
Classification: Uncertain significance. Last evaluated: 2019-10-18. Review status: criteria provided, single submitter. Criteria: ACMG Guidelines, 2015. Collection method: clinical testing. Allele origin: germline.

Literature cited by the submitters: PubMed 36833224 (cited by Women's Health and Genetics/Laboratory Corporation of America, LabCorp).

NM_000540.3(RYR1):c.13694T>G (p.Phe4565Cys)

Gene: RYR1 (ryanodine receptor 1; plus strand). Cytogenetic location: 19q13.2.
Variant type: single nucleotide variant.
Coding change: c.13694T>G on transcript NM_000540.3 (MANE Select); coding-DNA position 13694, T replaced by G.
Protein change: p.Phe4565Cys; replaces phenylalanine 4565 with cysteine.
Molecular consequence: missense variant.
Genome position (GRCh38, 1-based): chr19:38,570,641, T>G. VCF-style: chr19-38570641-T-G. GRCh37 (hg19) VCF-style: chr19-39061281-T-G.
Other names: c.13679T>G, p.Phe4560Cys (NM_001042723.2); short protein forms F4560C, F4565C.
Identifiers: ClinVar variation 2435556 (VCV002435556.6), dbSNP rs764410690, ClinGen allele CA060403.